The following is an entry in ClinVar:

ClinVar aggregate classification (germline): Uncertain significance (1 of 4 stars; one submission).

Allele frequency attached by ClinVar (database versions not stated): gnomAD exomes below 0.00001.
gnomAD v4.1: 3 of 1,614,074 alleles (0.00019%); highest among the groups gnomAD compares: South Asian, 0.0011%; no homozygotes.

Submission:

Labcorp Genetics (formerly Invitae), Labcorp
Classification: Uncertain significance. Last evaluated: 2022-03-21. Review status: criteria provided, single submitter. Criteria: Invitae Variant Classification Sherloc (09022015). Collection method: clinical testing. Allele origin: germline.
Comment: This variant has not been reported in the literature in individuals affected with POLE-related conditions. This variant is not present in population databases (gnomAD no frequency). This sequence change replaces methionine, which is neutral and non-polar, with isoleucine, which is neutral and non-polar, at codon 900 of the POLE protein (p.Met900Ile). Algorithms developed to predict the effect of missense changes on protein structure and function (SIFT, PolyPhen-2, Align-GVGD) all suggest that this variant is likely to be tolerated. In summary, the available evidence is currently insufficient to determine the role of this variant in disease. Therefore, it has been classified as a Variant of Uncertain Significance.

NM_006231.4(POLE):c.2700G>A (p.Met900Ile)

Gene: POLE (DNA polymerase epsilon, catalytic subunit; minus strand). Cytogenetic location: 12q24.33.
Variant type: single nucleotide variant.
Coding change: c.2700G>A on transcript NM_006231.4 (MANE Select); coding-DNA position 2700, G replaced by A.
Protein change: p.Met900Ile; replaces methionine 900 with isoleucine.
Molecular consequence: missense variant.
Genome position (GRCh38, 1-based): chr12:132,664,010, C>T on the plus strand (G>A on the coding strand, the complement: POLE is on the minus strand). VCF-style: chr12-132664010-C-T. GRCh37 (hg19) VCF-style: chr12-133240596-C-T.
Other names: short protein forms M900I.
Identifiers: ClinVar variation 2112032 (VCV002112032.4), dbSNP rs2135956460, ClinGen allele CA387394927.